The following is an entry in ClinVar:

ClinVar aggregate classification (germline): Uncertain significance (1 of 4 stars; one submission).

Conditions:
Amyotrophic lateral sclerosis type 4 (ALS4). Also called: AMYOTROPHIC LATERAL SCLEROSIS 4, JUVENILE; NEURONOPATHY, DISTAL HEREDITARY MOTOR, WITH PYRAMIDAL FEATURES. Identifiers: Orphanet 357043, MedGen C1865409, MONDO:0011223, OMIM 602433.
Spinocerebellar ataxia, autosomal recessive, with axonal neuropathy 2 (SCAN2). Also called: Ataxia with Oculomotor Apraxia; ATAXIA-OCULOMOTOR APRAXIA 2; Ataxia-ocular apraxia-2; Ataxia with Oculomotor Apraxia Type 2. Identifiers: Orphanet 64753, MedGen C1853761, MONDO:0018996, OMIM 606002.

Submission:

Labcorp Genetics (formerly Invitae), Labcorp
Classification: Uncertain significance for Amyotrophic lateral sclerosis type 4; Spinocerebellar ataxia, autosomal recessive, with axonal neuropathy 2. Last evaluated: 2022-12-19. Review status: criteria provided, single submitter. Criteria: Invitae Variant Classification Sherloc (09022015). Collection method: clinical testing. Allele origin: germline.
Comment: In summary, the available evidence is currently insufficient to determine the role of this variant in disease. Therefore, it has been classified as a Variant of Uncertain Significance. Advanced modeling of protein sequence and biophysical properties (such as structural, functional, and spatial information, amino acid conservation, physicochemical variation, residue mobility, and thermodynamic stability) performed at Invitae indicates that this missense variant is not expected to disrupt SETX protein function. This variant has not been reported in the literature in individuals affected with SETX-related conditions. This variant is not present in population databases (gnomAD no frequency). This sequence change replaces valine, which is neutral and non-polar, with alanine, which is neutral and non-polar, at codon 991 of the SETX protein (p.Val991Ala).

NM_015046.7(SETX):c.2972T>C (p.Val991Ala)

Gene: SETX (senataxin; minus strand). Cytogenetic location: 9q34.13.
Variant type: single nucleotide variant.
Coding change: c.2972T>C on transcript NM_015046.7 (MANE Select); coding-DNA position 2972, T replaced by C.
Protein change: p.Val991Ala; replaces valine 991 with alanine.
Molecular consequence: missense variant.
Genome position (GRCh38, 1-based): chr9:132,328,626, A>G on the plus strand (T>C on the coding strand, the complement: SETX is on the minus strand). VCF-style: chr9-132328626-A-G. GRCh37 (hg19) VCF-style: chr9-135204013-A-G.
Other names: c.2972T>C, p.Val991Ala (NM_001351527.2, NM_001351528.2); short protein forms V991A.
Identifiers: ClinVar variation 2942468 (VCV002942468.3), dbSNP rs1847012181, ClinGen allele CA375333024.